The following is an entry in ClinVar:

NM_002692.4(POLE2):c.1529_1530del (p.Lys510fs)

Gene: POLE2 (DNA polymerase epsilon 2, accessory subunit; minus strand). Cytogenetic location: 14q21.3.
Variant type: Deletion.
Coding change: c.1529_1530del on transcript NM_002692.4 (MANE Select); coding-DNA positions 1529 to 1530, 2 bases deleted (AA; older notation c.1529_1530delAA).
Protein change: p.Lys510fs; shifts the reading frame from lysine 510.
Molecular consequence: frameshift variant.
Genome position (GRCh38, 1-based): chr14:49,647,328-49,647,329, TT deleted on the plus strand (AA on the coding strand, the reverse complement: POLE2 is on the minus strand); deleting any 2 consecutive bases within chr14:49,647,328-49,647,330 gives the same sequence; the c. name uses the placement nearest the transcript's 3' end. VCF-style (leftmost placement, unchanged base first): chr14-49647327-CTT-C. GRCh37 (hg19) VCF-style: chr14-50114045-CTT-C.
Other names: c.1451_1452del, p.Lys484fs (NM_001197330.2); c.1526_1527del, p.Lys509fs (NM_001348384.2); c.1298_1299del, p.Lys433fs (NM_001348385.2); short protein forms K484fs, K509fs, K510fs, K433fs.
Identifiers: ClinVar variation 1517349 (VCV001517349.7), dbSNP rs781382506, ClinGen allele CA7173226.

ClinVar aggregate classification (germline): Uncertain significance. Review status: criteria provided, multiple submitters, no conflicts (2 of 4 stars). 2 submissions from 2 submitters: Uncertain significance (2). Last evaluated 2026-01-12.

Submissions (2):

Labcorp Genetics (formerly Invitae), Labcorp
Classification: Uncertain significance. Last evaluated: 2026-01-12. Review status: criteria provided, single submitter. Criteria: Invitae Variant Classification Sherloc (09022015). Collection method: clinical testing. Allele origin: germline.
Comment: This sequence change creates a premature translational stop signal (p.Lys510Serfs*6) in the POLE2 gene. While this is not anticipated to result in nonsense mediated decay, it is expected to disrupt the last 18 amino acid(s) of the POLE2 protein. This variant is present in population databases (rs781382506, gnomAD 0.007%). This variant has not been reported in the literature in individuals affected with POLE2-related conditions. ClinVar contains an entry for this variant (Variation ID: 1517349). In summary, the available evidence is currently insufficient to determine the role of this variant in disease. Therefore, it has been classified as a Variant of Uncertain Significance.

Blueprint Genetics
Classification: Uncertain significance. Last evaluated: 2024-10-01. Review status: criteria provided, single submitter. Criteria: ACMG Guidelines, 2015. Collection method: clinical testing. Allele origin: germline.